The following is an entry in ClinVar:

NM_001184.4(ATR):c.3971_3974del (p.Asp1324fs)

Gene: ATR (ATR serine/threonine kinase; minus strand). Cytogenetic location: 3q23.
Variant type: Microsatellite.
Coding change: c.3971_3974del on transcript NM_001184.4 (MANE Select); coding-DNA positions 3971 to 3974, 4 bases deleted (ACAG; older notation c.3971_3974delACAG).
Protein change: p.Asp1324fs; shifts the reading frame from aspartic acid 1324.
Molecular consequence: frameshift variant.
Genome position (GRCh38, 1-based): chr3:142,524,171-142,524,174, CTGT deleted on the plus strand (ACAG on the coding strand, the reverse complement: ATR is on the minus strand); deleting any 4 consecutive bases within chr3:142,524,171-142,524,178 gives the same sequence; the c. name uses the placement nearest the transcript's 3' end. VCF-style (leftmost placement, unchanged base first): chr3-142524170-ACTGT-A. GRCh37 (hg19) VCF-style: chr3-142243012-ACTGT-A.
Other names: c.3779_3782del, p.Asp1260fs (NM_001354579.2); short protein forms D1260fs, D1324fs.
Identifiers: ClinVar variation 1338621 (VCV001338621.4), dbSNP rs2108399800, ClinGen allele CA2580615987.

ClinVar aggregate classification (germline): Likely pathogenic (1 of 4 stars; one submission).

Submission:

Genetic Services Laboratory, University of Chicago
Classification: Likely pathogenic. Last evaluated: 2021-01-06. Review status: criteria provided, single submitter. Criteria: ACMG Guidelines, 2015. Collection method: clinical testing. Allele origin: germline. Affected: yes.
Comment: DNA sequence analysis of the ATR gene demonstrated a 4 base pair deletion in exon 22, c.3971_3974del, and is predicted to result in a frameshift and the creation of a premature stop codon 3 amino acids downstream of the change, p.Asp1324Valfs*4. This sequence change is predicted to result in an abnormal transcript, which may be degraded, or may lead to the production of a truncated BAP1 protein with potentially abnormal function. The p.Asp1324Valfs*4 change does not appear to have been described in individuals with ATR-related disorders and has also not been described in population databases (gnomAD, ExAC); however, other frameshift deletions in the ATR gene have been described in individuals with Seckel syndrome, pancreatic cancer, and breast and/or ovarian cancer (PMIDs: 21228398, 27153395, 28687971).